The following is an entry in ClinVar:

ClinVar aggregate classification (germline): Pathogenic (1 of 4 stars; one submission).

Conditions:
Rubinstein-Taybi syndrome (RSTS). Identifiers: Orphanet 783, MedGen C0035934, MONDO:0019188.

Submission:

Labcorp Genetics (formerly Invitae), Labcorp
Classification: Pathogenic for Rubinstein-Taybi syndrome. Last evaluated: 2019-08-06. Review status: criteria provided, single submitter. Criteria: Invitae Variant Classification Sherloc (09022015). Collection method: clinical testing. Allele origin: germline.
Comment: This sequence change falls in intron 13 of the CREBBP gene. It does not directly change the encoded amino acid sequence of the CREBBP protein. This variant is not present in population databases (ExAC no frequency). Algorithms developed to predict the effect of sequence changes on RNA splicing suggest that this variant may disrupt the consensus splice site, but this prediction has not been confirmed by published transcriptional studies. For these reasons, this variant has been classified as Pathogenic.

NM_004380.3(CREBBP):c.2464-6T>A

Gene: CREBBP (CREB binding lysine acetyltransferase; minus strand). Cytogenetic location: 16p13.3.
Variant type: single nucleotide variant.
Coding change: c.2464-6T>A on transcript NM_004380.3 (MANE Select); 6 bases into the intron before coding-DNA position 2464, T replaced by A.
Molecular consequence: intron variant.
Genome position (GRCh38, 1-based): chr16:3,770,992, A>T on the plus strand (T>A on the coding strand, the complement: CREBBP is on the minus strand). VCF-style: chr16-3770992-A-T. GRCh37 (hg19) VCF-style: chr16-3820993-A-T.
Other names: c.2350-6T>A (NM_001079846.1).
Identifiers: ClinVar variation 952068 (VCV000952068.9), dbSNP rs2052993184, ClinGen allele CA1139664473.
Genomic context (GRCh38, chr16:3,770,992, plus strand): 5'-CCTGAGGCCCCAGCATGTTGAGAGGGTTAGGAAGAGCAGCACCAGGCACCTGTCCCTACC[A>T]GAAATGGACAGAGTATGGTAAAATTATTTCCCCCGTTTGAAAATGTGATGAAACATTTGA-3'